The following is an entry in ClinVar:

NM_001365536.1(SCN9A):c.1052T>A (p.Phe351Tyr)

Genes: SCN1A-AS1 (SCN1A and SCN9A antisense RNA 1; plus strand), SCN9A (sodium voltage-gated channel alpha subunit 9; minus strand). Cytogenetic location: 2q24.3.
Variant type: single nucleotide variant.
Coding change: c.1052T>A on transcript NM_001365536.1 (MANE Select); coding-DNA position 1052, T replaced by A.
Protein change: p.Phe351Tyr; replaces phenylalanine 351 with tyrosine.
Molecular consequence: missense variant.
Genome position (GRCh38, 1-based): chr2:166,293,286, A>T on the plus strand (T>A on the coding strand, the complement: SCN9A is on the minus strand). VCF-style: chr2-166293286-A-T. GRCh37 (hg19) VCF-style: chr2-167149796-A-T.
Other names: c.1052T>A, p.Phe351Tyr (NM_002977.4); short protein forms F351Y.
Identifiers: ClinVar variation 4783440 (VCV004783440.1).

ClinVar aggregate classification (germline): Uncertain significance (1 of 4 stars; one submission).

Conditions:
Neuropathy, hereditary sensory and autonomic, type 2A (HSAN2A). Also called: ACROOSTEOLYSIS, GIACCAI TYPE; ACROOSTEOLYSIS, NEUROGENIC; WNK1-Related HSAN2 (HSAN2A); NEUROPATHY, HEREDITARY SENSORY RADICULAR, AUTOSOMAL RECESSIVE; MORVAN DISEASE; NEUROPATHY, CONGENITAL SENSORY. Identifiers: Orphanet 970, MedGen C2752089, MONDO:0024309, OMIM 201300.
Generalized epilepsy with febrile seizures plus, type 7 (GEFSP7). Also called: GEFS+, TYPE 7. Identifiers: Orphanet 36387, MedGen C2751778, MONDO:0013470, OMIM 613863.

gnomAD v4.1: 1 of 1,600,308 alleles (0.000062%); highest among the groups gnomAD compares: Non-Finnish European, 0.000085%; no homozygotes.

Submission:

Labcorp Genetics (formerly Invitae), Labcorp
Classification: Uncertain significance for Neuropathy, hereditary sensory and autonomic, type 2A; Generalized epilepsy with febrile seizures plus, type 7. Last evaluated: 2025-11-05. Review status: criteria provided, single submitter. Criteria: Invitae Variant Classification Sherloc (09022015). Collection method: clinical testing. Allele origin: germline.
Comment: This sequence change replaces phenylalanine, which is neutral and non-polar, with tyrosine, which is neutral and polar, at codon 351 of the SCN9A protein (p.Phe351Tyr). The frequency data for this variant in the population databases is considered unreliable, as metrics indicate poor data quality at this position in the gnomAD database. This variant has not been reported in the literature in individuals affected with SCN9A-related conditions. Invitae Evidence Modeling of protein sequence and biophysical properties (such as structural, functional, and spatial information, amino acid conservation, physicochemical variation, residue mobility, and thermodynamic stability) has been performed for this missense variant. However, the output from this modeling did not meet the statistical confidence thresholds required to predict the impact of this variant on SCN9A protein function. In summary, the available evidence is currently insufficient to determine the role of this variant in disease. Therefore, it has been classified as a Variant of Uncertain Significance.